The following is an entry in ClinVar:

ClinVar aggregate classification (germline): Uncertain significance (1 of 4 stars; one submission).

gnomAD v4.1: 2 of 1,597,828 alleles (0.00013%); highest among the groups gnomAD compares: Non-Finnish European, 0.00017%; no homozygotes.

Submission:

Labcorp Genetics (formerly Invitae), Labcorp
Classification: Uncertain significance. Last evaluated: 2019-12-13. Review status: criteria provided, single submitter. Criteria: Invitae Variant Classification Sherloc (09022015). Collection method: clinical testing. Allele origin: germline.
Comment: This variant has not been reported in the literature in individuals with IMPG1-related conditions. Algorithms developed to predict the effect of missense changes on protein structure and function are either unavailable or do not agree on the potential impact of this missense change (SIFT: "Deleterious"; PolyPhen-2: "Probably Damaging"; Align-GVGD: "Class C0"). In summary, the available evidence is currently insufficient to determine the role of this variant in disease. Therefore, it has been classified as a Variant of Uncertain Significance. This sequence change replaces tyrosine with asparagine at codon 97 of the IMPG1 protein (p.Tyr97Asn). The tyrosine residue is highly conserved and there is a large physicochemical difference between tyrosine and asparagine. This variant is not present in population databases (ExAC no frequency).

NM_001563.4(IMPG1):c.289T>A (p.Tyr97Asn)

Gene: IMPG1 (interphotoreceptor matrix proteoglycan 1; minus strand). Cytogenetic location: 6q14.1.
Variant type: single nucleotide variant.
Coding change: c.289T>A on transcript NM_001563.4 (MANE Select); coding-DNA position 289, T replaced by A.
Protein change: p.Tyr97Asn; replaces tyrosine 97 with asparagine.
Molecular consequence: missense variant. On other transcripts: intron variant (1).
Genome position (GRCh38, 1-based): chr6:76,041,905, A>T on the plus strand (T>A on the coding strand, the complement: IMPG1 is on the minus strand). VCF-style: chr6-76041905-A-T. GRCh37 (hg19) VCF-style: chr6-76751622-A-T.
Other names: c.68-7118T>A (NM_001282368.2); short protein forms Y97N.
Identifiers: ClinVar variation 858362 (VCV000858362.9), dbSNP rs201230378, ClinGen allele CA364829554.